The following is an entry in ClinVar:

ClinVar aggregate classification (germline): Uncertain significance. Review status: criteria provided, multiple submitters, no conflicts (2 of 4 stars). 2 submissions from 2 submitters: Uncertain significance (2). Last evaluated 2026-01-20.

Allele frequency attached by ClinVar (database versions not stated): gnomAD 0.00001.
gnomAD v4.1: 15 of 1,416,688 alleles (0.0011%); highest among the groups gnomAD compares: Middle Eastern, 0.076%; no homozygotes.

Submissions (2):

Labcorp Genetics (formerly Invitae), Labcorp
Classification: Uncertain significance. Last evaluated: 2026-01-20. Review status: criteria provided, single submitter. Criteria: Invitae Variant Classification Sherloc (09022015). Collection method: clinical testing. Allele origin: germline.
Comment: This sequence change replaces proline, which is neutral and non-polar, with serine, which is neutral and polar, at codon 169 of the CTF1 protein (p.Pro169Ser). The frequency data for this variant in the population databases is considered unreliable, as metrics indicate poor data quality at this position in the gnomAD database. This variant has not been reported in the literature in individuals affected with CTF1-related conditions. ClinVar contains an entry for this variant (Variation ID: 1392270). An algorithm developed to predict the effect of missense changes on protein structure and function outputs the following: PolyPhen-2: "Possibly Damaging". The serine amino acid residue is found in multiple mammalian species, which suggests that this missense change does not adversely affect protein function. In summary, the available evidence is currently insufficient to determine the role of this variant in disease. Therefore, it has been classified as a Variant of Uncertain Significance.

Breakthrough Genomics
Classification: Uncertain significance. Review status: criteria provided, single submitter. Criteria: ACMG Guidelines, 2015. Collection method: not provided. Allele origin: germline. Inheritance: Unknown mechanism. Affected: yes.

NM_001330.5(CTF1):c.505C>T (p.Pro169Ser)

Genes: CTF1 (cardiotrophin 1; plus strand), LOC130058878 (ATAC-STARR-seq lymphoblastoid silent region 7400; plus strand). Cytogenetic location: 16p11.2.
Variant type: single nucleotide variant.
Coding change: c.505C>T on transcript NM_001330.5 (MANE Select); coding-DNA position 505, C replaced by T.
Protein change: p.Pro169Ser; replaces proline 169 with serine.
Molecular consequence: missense variant. On other transcripts: non-coding transcript variant (1).
Genome position (GRCh38, 1-based): chr16:30,902,438, C>T. VCF-style: chr16-30902438-C-T. GRCh37 (hg19) VCF-style: chr16-30913759-C-T.
Other names: c.502C>T, p.Pro168Ser (NM_001142544.3); short protein forms P168S, P169S.
Identifiers: ClinVar variation 1392270 (VCV001392270.9), dbSNP rs746337311, ClinGen allele CA8015499.